The following is an entry in ClinVar:

ClinVar aggregate classification (germline): Uncertain significance (1 of 4 stars; one submission).

Conditions:
Dilated cardiomyopathy 1DD (CMD1DD). Identifiers: Orphanet 154, MedGen C2750995, MONDO:0013168, OMIM 613172.

Submission:

Labcorp Genetics (formerly Invitae), Labcorp
Classification: Uncertain significance for Dilated cardiomyopathy 1DD. Last evaluated: 2022-08-15. Review status: criteria provided, single submitter. Criteria: Invitae Variant Classification Sherloc (09022015). Collection method: clinical testing. Allele origin: germline.
Comment: This variant is not present in population databases (gnomAD no frequency). This sequence change replaces aspartic acid, which is acidic and polar, with valine, which is neutral and non-polar, at codon 805 of the RBM20 protein (p.Asp805Val). In summary, the available evidence is currently insufficient to determine the role of this variant in disease. Therefore, it has been classified as a Variant of Uncertain Significance. Advanced modeling of protein sequence and biophysical properties (such as structural, functional, and spatial information, amino acid conservation, physicochemical variation, residue mobility, and thermodynamic stability) performed at Invitae indicates that this missense variant is not expected to disrupt RBM20 protein function. ClinVar contains an entry for this variant (Variation ID: 1481870). This variant has not been reported in the literature in individuals affected with RBM20-related conditions.

NM_001134363.3(RBM20):c.2414A>T (p.Asp805Val)

Gene: RBM20 (RNA binding motif protein 20; plus strand). Cytogenetic location: 10q25.2.
Variant type: single nucleotide variant.
Coding change: c.2414A>T on transcript NM_001134363.3 (MANE Select); coding-DNA position 2414, A replaced by T.
Protein change: p.Asp805Val; replaces aspartic acid 805 with valine.
Molecular consequence: missense variant.
Genome position (GRCh38, 1-based): chr10:110,812,811, A>T. VCF-style: chr10-110812811-A-T. GRCh37 (hg19) VCF-style: chr10-112572569-A-T.
Other names: short protein forms D805V.
Identifiers: ClinVar variation 1481870 (VCV001481870.7), dbSNP rs2135106050, ClinGen allele CA378373884.